The following is an entry in ClinVar:

ClinVar aggregate classification (germline): Likely pathogenic (1 of 4 stars; one submission).

Submission:

GeneDx
Classification: Likely pathogenic. Last evaluated: 2026-02-05. Review status: criteria provided, single submitter. Criteria: GeneDx Variant Classification Process June 2021. Collection method: clinical testing. Allele origin: germline.
Comment: Not observed at significant frequency in large population cohorts (gnomAD); In silico analysis suggests that this missense variant does not alter protein structure/function; Has not been previously published as pathogenic or benign to our knowledge

NM_006035.4(CDC42BPB):c.1537G>A (p.Asp513Asn)

Gene: CDC42BPB (CDC42 binding protein kinase beta; minus strand). Cytogenetic location: 14q32.32.
Variant type: single nucleotide variant.
Coding change: c.1537G>A on transcript NM_006035.4 (MANE Select); coding-DNA position 1537, G replaced by A.
Protein change: p.Asp513Asn; replaces aspartic acid 513 with asparagine.
Molecular consequence: missense variant.
Genome position (GRCh38, 1-based): chr14:102,974,120, C>T on the plus strand (G>A on the coding strand, the complement: CDC42BPB is on the minus strand). VCF-style: chr14-102974120-C-T. GRCh37 (hg19) VCF-style: chr14-103440457-C-T.
Other names: c.1537G>A, p.Asp513Asn (NM_001411054.1); short protein forms D513N.
Identifiers: ClinVar variation 4888120 (VCV004888120.1).